The following is an entry in ClinVar:

ClinVar aggregate classification (germline): Uncertain significance (1 of 4 stars; one submission).

Conditions:
Neuronopathy, distal hereditary motor, autosomal recessive 4. Also called: NEUROPATHY, DISTAL HEREDITARY MOTOR, AUTOSOMAL RECESSIVE 4; Autosomal recessive lower motor neuron disease with childhood onset. Identifiers: Orphanet 206580, MedGen C1970211, MONDO:0012608, OMIM 611067.
Charcot-Marie-Tooth disease recessive intermediate C. Also called: CHARCOT-MARIE-TOOTH NEUROPATHY, RECESSIVE INTERMEDIATE C. Identifiers: Orphanet 369867, MedGen C3809309, MONDO:0014154, OMIM 615376.

Submission:

Labcorp Genetics (formerly Invitae), Labcorp
Classification: Uncertain significance for Neuronopathy, distal hereditary motor, autosomal recessive 4; Charcot-Marie-Tooth disease recessive intermediate C. Last evaluated: 2022-08-01. Review status: criteria provided, single submitter. Criteria: Invitae Variant Classification Sherloc (09022015). Collection method: clinical testing. Allele origin: germline.
Comment: Algorithms developed to predict the effect of missense changes on protein structure and function are either unavailable or do not agree on the potential impact of this missense change (SIFT: "Deleterious"; PolyPhen-2: "Probably Damaging"; Align-GVGD: "Class C0"). Algorithms developed to predict the effect of sequence changes on RNA splicing suggest that this variant may disrupt the consensus splice site. In summary, the available evidence is currently insufficient to determine the role of this variant in disease. Therefore, it has been classified as a Variant of Uncertain Significance. This variant has not been reported in the literature in individuals affected with PLEKHG5-related conditions. This sequence change replaces glutamine, which is neutral and polar, with arginine, which is basic and polar, at codon 486 of the PLEKHG5 protein (p.Gln486Arg). This variant is not present in population databases (gnomAD no frequency).

NM_020631.6(PLEKHG5):c.1457A>G (p.Gln486Arg)

Gene: PLEKHG5 (pleckstrin homology and RhoGEF domain containing G5; minus strand). Cytogenetic location: 1p36.31.
Variant type: single nucleotide variant.
Coding change: c.1457A>G on transcript NM_020631.6 (MANE Select); coding-DNA position 1457, A replaced by G.
Protein change: p.Gln486Arg; replaces glutamine 486 with arginine.
Molecular consequence: missense variant.
Genome position (GRCh38, 1-based): chr1:6,470,820, T>C on the plus strand (A>G on the coding strand, the complement: PLEKHG5 is on the minus strand). VCF-style: chr1-6470820-T-C. GRCh37 (hg19) VCF-style: chr1-6530880-T-C.
Other names: c.1568A>G, p.Gln523Arg (NM_001042663.3, NM_001265592.2); c.1457A>G, p.Gln486Arg (NM_001042664.2, NM_001042665.2, NM_001265594.3 and 1 more transcripts); c.1664A>G, p.Gln555Arg (NM_001265593.2); short protein forms Q523R, Q486R, Q555R.
Identifiers: ClinVar variation 2168079 (VCV002168079.4), dbSNP rs2523156096, ClinGen allele CA338126795.